The following is an entry in ClinVar:

ClinVar aggregate classification (germline): Likely pathogenic (1 of 4 stars; one submission).

Conditions:
Retinal disorder. Also called: Retinopathy; Retinopathies; Retinal Diseases; Retinal disorders. Identifiers: MedGen C0035309, MONDO:0005283, HP:0000488.

Submission:

Genetics Laboratory, Great Ormond Street Hospital NHS Foundation Trust, North Thames Genomic Laboratory Hub
Classification: Likely pathogenic for Retinal disorders. Last evaluated: 2025-12-06. Review status: criteria provided, single submitter. Criteria: ACGS Best Practice Guidelines for Variant Classification in Rare Disease 2024 v1.2. Collection method: clinical testing. Allele origin: germline. Affected: yes.
Comment: PM2_moderate, PVS1_strong

NM_001034853.2(RPGR):c.3194_3195insGGAATGAGAGGAGGAAGGAGAAGAAAGGGAAAAGGAGGGGGAAGGAGAAGAAAACAGGAGGAACAGAGAAGAGGAGGAGGAAGA (p.Glu1066_Gly1067insTerGlu)

Gene: RPGR (retinitis pigmentosa GTPase regulator; minus strand). Cytogenetic location: Xp11.4.
Variant type: Insertion.
Coding change: c.3194_3195insGGAATGAGAGGAGGAAGGAGAAGAAAGGGAAAAGGAGGGGGAAGGAGAAGAAAACAGGAGGAACAGAGAAGAGGAGGAGGAAGA on transcript NM_001034853.2 (MANE Select); coding-DNA positions 3194 to 3195, GGAATGAGAGGAGGAAGGAGAAGAAAGGGAAAAGGAGGGGGAAGGAGAAGAAAACAGGAGGAACAGAGAAGAGGAGGAGGAAGA inserted.
Protein change: p.Glu1066_Gly1067insTerGlu.
Molecular consequence: nonsense, inframe insertion. On other transcripts: intron variant (8).
Genome position: GRCh38: chrX:38,285,883-38,285,884. GRCh37 (hg19): chrX:38,145,136-38,145,137.
Other names: c.1569+5154_1569+5155insGAGAGGAGGAAGGAGAAGAAAGGGAAAAGGAGGGGGAAGGAGAAGAAAACAGGAGGAACAGAGAAGAGGAGGAGGAAGAGGAAT (NM_001367249.1, NM_001367250.1); c.1902+1289_1902+1290insGAGAGGAGGAAGGAGAAGAAAGGGAAAAGGAGGGGGAAGGAGAAGAAAACAGGAGGAACAGAGAAGAGGAGGAGGAAGAGGAAT (NM_001367245.1); c.1386+5154_1386+5155insGAGAGGAGGAAGGAGAAGAAAGGGAAAAGGAGGGGGAAGGAGAAGAAAACAGGAGGAACAGAGAAGAGGAGGAGGAAGAGGAAT (NM_001367251.1); c.1719+1289_1719+1290insGAGAGGAGGAAGGAGAAGAAAGGGAAAAGGAGGGGGAAGGAGAAGAAAACAGGAGGAACAGAGAAGAGGAGGAGGAAGAGGAAT (NM_001367246.1); c.1572+5154_1572+5155insGAGAGGAGGAAGGAGAAGAAAGGGAAAAGGAGGGGGAAGGAGAAGAAAACAGGAGGAACAGAGAAGAGGAGGAGGAAGAGGAAT (NM_001367247.1); c.1905+1289_1905+1290insGAGAGGAGGAAGGAGAAGAAAGGGAAAAGGAGGGGGAAGGAGAAGAAAACAGGAGGAACAGAGAAGAGGAGGAGGAAGAGGAAT (NM_000328.3); c.1602+5154_1602+5155insGAGAGGAGGAAGGAGAAGAAAGGGAAAAGGAGGGGGAAGGAGAAGAAAACAGGAGGAACAGAGAAGAGGAGGAGGAAGAGGAAT (NM_001367248.1).
Identifiers: ClinVar variation 4690216 (VCV004690216.1).